The following is an entry in ClinVar:

ClinVar aggregate classification (germline): Pathogenic. Review status: criteria provided, single submitter (1 of 4 stars). 3 submissions from 3 submitters: Pathogenic (1). 2 of the submissions do not count toward it. Last evaluated 2022-01-03.

Conditions:
Alexander disease (ALXDRD). Also called: Alexander's disease. Identifiers: Orphanet 58, MedGen C0270726, MONDO:0008752, OMIM 203450.

Submissions (3):

3billion
Classification: Pathogenic for Alexander disease. Last evaluated: 2022-01-03. Review status: criteria provided, single submitter. Criteria: ACMG Guidelines, 2015. Collection method: clinical testing. Allele origin: germline. Affected: yes. Observed: 1 heterozygote.
Comment: Same nucleotide change resulting in same amino acid change has been previously reported to be associated with GFAP related disorder (ClinVar ID: VCV000066431, PMID:21533827 PS1_S). The variant is located in a well-established functional domain or exonic hotspot, where pathogenic variants have frequently reported (PM1_M). It is not observed in the gnomAD v2.1.1 dataset (PM2_M). In silico tool predictions suggest damaging effect of the variant on gene or gene product (REVEL: 0.955, 3CNET: 0.992, PP3_P). A missense variant is a common mechanism associated with Alexander disease (PP2_P). Therefore, this variant is classified as pathogenic according to the recommendation of ACMG/AMP guideline.

GeneReviews
Classification: Pathogenic for Alexander's disease. Last evaluated: 2015-01-08. Review status: no assertion criteria provided. Collection method: literature only. Allele origin: germline. Affected: yes. Not counted in ClinVar's aggregate classification.

Epithelial Biology;  Institute of Medical Biology, Singapore
No classification provided. Review status: no classification provided. Collection method: not provided. Allele origin: not provided. Not counted in ClinVar's aggregate classification.

Literature cited by the submitters: PubMed 21533827 (cited by 3billion and GeneReviews).

NM_002055.5(GFAP):c.1079A>T (p.Asp360Val)

Genes: GFAP (glial fibrillary acidic protein; minus strand), LOC130060994 (ATAC-STARR-seq lymphoblastoid active region 12266; plus strand). Cytogenetic location: 17q21.31.
Variant type: single nucleotide variant.
Coding change: c.1079A>T on transcript NM_002055.5 (MANE Select); coding-DNA position 1079, A replaced by T.
Protein change: p.Asp360Val; replaces aspartic acid 360 with valine.
Molecular consequence: missense variant.
Genome position (GRCh38, 1-based): chr17:44,911,284, T>A on the plus strand (A>T on the coding strand, the complement: GFAP is on the minus strand). VCF-style: chr17-44911284-T-A. GRCh37 (hg19) VCF-style: chr17-42988652-T-A.
Other names: c.1079A>T, p.Asp360Val (NM_001131019.3, NM_001242376.3, NM_001363846.2); short protein forms D360V.
Identifiers: ClinVar variation 66431 (VCV000066431.3), dbSNP rs62636501, ClinGen allele CA217105.